The following is an entry in ClinVar:

NM_004606.5(TAF1):c.4265T>G (p.Ile1422Ser)

Gene: TAF1 (TATA-box binding protein associated factor 1; plus strand). Cytogenetic location: Xq13.1.
Variant type: single nucleotide variant.
Coding change: c.4265T>G on transcript NM_004606.5 (MANE Select); coding-DNA position 4265, T replaced by G.
Protein change: p.Ile1422Ser; replaces isoleucine 1422 with serine.
Molecular consequence: missense variant. On other transcripts: non-coding transcript variant (9).
Genome position (GRCh38, 1-based): chrX:71,408,032, T>G. VCF-style: chrX-71408032-T-G. GRCh37 (hg19) VCF-style: chrX-70627882-T-G.
Other names: c.4265T>G, p.Ile1422Ser (NM_001286074.2, NM_001440852.1, NM_001440853.1); c.4202T>G, p.Ile1401Ser (NM_001440854.1, NM_138923.4); short protein forms I1401S, I1422S.
Identifiers: ClinVar variation 4531225 (VCV004531225.1).

ClinVar aggregate classification (germline): Uncertain significance (1 of 4 stars; one submission).

Conditions:
X-linked dystonia-parkinsonism (DYT3). Also called: TORSION DYSTONIA-PARKINSONISM, FILIPINO TYPE; Lubag; DYT-TAF1. Identifiers: Orphanet 53351, MedGen C1839130, MONDO:0010747, OMIM 314250.
Intellectual developmental disorder, X-linked, syndromic 33. Also called: Intellectual disability, X-linked, syndromic 33; X-linked intellectual disability-global development delay-facial dysmorphism-sacral caudal remnant syndrome. Identifiers: Orphanet 480907, MedGen C4225418, MONDO:0010500, OMIM 300966.

Submission:

Juno Genomics, Hangzhou Juno Genomics, Inc
Classification: Uncertain significance for X-linked dystonia-parkinsonism; Intellectual developmental disorder, X-linked, syndromic 33. Review status: criteria provided, single submitter. Criteria: ACMG Guidelines, 2015. Collection method: clinical testing. Allele origin: germline. Affected: yes.
Comment: Absent from controls (or at extremely low frequency if recessive) in Genome Aggregation Database, Exome Sequencing Project, 1000 Genomes Project, or Exome Aggregation Consortium.;Multiple lines of computational evidence support a deleterious effect on the gene or gene product (conservation, evolutionary, splicing impact, etc).;De novo (both maternity and paternity confirmed) in a patient with the disease and no family history.